The following is an entry in ClinVar:

ClinVar aggregate classification (germline): Uncertain significance (1 of 4 stars; one submission).

Conditions:
Cardiovascular phenotype. Identifiers: MedGen CN230736.

gnomAD v4.1: 1 of 1,600,368 alleles (0.000062%); highest among the groups gnomAD compares: Non-Finnish European, 0.000086%; no homozygotes.

Submission:

Ambry Genetics
Classification: Uncertain significance for Cardiovascular phenotype. Last evaluated: 2025-07-11. Review status: criteria provided, single submitter. Criteria: Ambry Variant Classification Scheme 2023. Collection method: clinical testing. Allele origin: germline.
Comment: The p.R709L variant (also known as c.2126G>T), located in coding exon 13 of the CBL gene, results from a G to T substitution at nucleotide position 2126. The arginine at codon 709 is replaced by leucine, an amino acid with dissimilar properties. This amino acid position is conserved. In addition, this alteration is predicted to be tolerated by in silico analysis. Based on the available evidence, the clinical significance of this variant remains unclear.

NM_005188.4(CBL):c.2126G>T (p.Arg709Leu)

Gene: CBL (Cbl proto-oncogene; plus strand). Cytogenetic location: 11q23.3.
Variant type: single nucleotide variant.
Coding change: c.2126G>T on transcript NM_005188.4 (MANE Select); coding-DNA position 2126, G replaced by T.
Protein change: p.Arg709Leu; replaces arginine 709 with leucine.
Molecular consequence: missense variant.
Genome position (GRCh38, 1-based): chr11:119,297,007, G>T. VCF-style: chr11-119297007-G-T. GRCh37 (hg19) VCF-style: chr11-119167717-G-T.
Other names: short protein forms R709L.
Identifiers: ClinVar variation 4219861 (VCV004219861.1).
Genomic context (GRCh38, chr11:119,297,007, plus strand): 5'-GGGAGCAATGTGAGGGTGAAGAGGACACAGAGTACATGACTCCCTCTTCCAGGCCTCTAC[G>T]GCCTTTGGATACATCCCAGAGTTCACGGTAGGTTCACAACAACCCTTTTTGGGCCCTATA-3'
Protein context (NP_005179.2, residues 699-719): EYMTPSSRPL[Arg709Leu]PLDTSQSSRA